The following is an entry in ClinVar:

NM_001145809.2(MYH14):c.3303A>G (p.Leu1101=)

Gene: MYH14 (myosin heavy chain 14; plus strand). Cytogenetic location: 19q13.33.
Variant type: single nucleotide variant.
Coding change: c.3303A>G on transcript NM_001145809.2 (MANE Select); coding-DNA position 3303, A replaced by G.
Protein change: p.Leu1101=; no amino-acid change (leucine 1101 retained).
Molecular consequence: synonymous variant.
Genome position (GRCh38, 1-based): chr19:50,272,567, A>G. VCF-style: chr19-50272567-A-G. GRCh37 (hg19) VCF-style: chr19-50775824-A-G.
Other names: c.3303A>G (NM_001145809.1); c.3204A>G, p.Leu1068= (NM_001077186.2); c.3180A>G, p.Leu1060= (NM_024729.4).
Identifiers: ClinVar variation 793491 (VCV000793491.13), dbSNP rs543799021, ClinGen allele CA9593191.

ClinVar aggregate classification (germline): Benign/Likely benign. Review status: criteria provided, multiple submitters, no conflicts (2 of 4 stars). 3 submissions from 3 submitters: Benign (1); Likely benign (2). Last evaluated 2025-02-18.

Conditions:
MYH14-related disorder. Also called: MYH14-related condition.
Autosomal dominant nonsyndromic hearing loss 4A. Also called: Deafness, autosomal dominant 4A. Identifiers: Orphanet 90635, MedGen C1833503, MONDO:0010915, OMIM 600652.

Allele frequency attached by ClinVar (database versions not stated): gnomAD 0.00003 and 0.00001; TOPMed 0.00003; gnomAD exomes 0.00010 and 0.00018; 1000 Genomes Project 30x 0.00016; 1000 Genomes Project 0.00020; ExAC 0.00085.
gnomAD v4.1: 150 of 1,571,800 alleles (0.0095%); highest among the groups gnomAD compares: South Asian, 0.13%; 1 homozygote.

Submissions (3):

PreventionGenetics, part of Exact Sciences
Classification: Likely benign for MYH14-related condition. Last evaluated: 2025-02-18. Review status: criteria provided, single submitter. Criteria: ACMG Guidelines, 2015. Collection method: clinical testing. Allele origin: germline.
Comment: This variant is classified as likely benign based on ACMG/AMP sequence variant interpretation guidelines (Richards et al. 2015 PMID: 25741868, with internal and published modifications).

Labcorp Genetics (formerly Invitae), Labcorp
Classification: Benign. Last evaluated: 2023-10-13. Review status: criteria provided, single submitter. Criteria: Invitae Variant Classification Sherloc (09022015). Collection method: clinical testing. Allele origin: germline.

Illumina Laboratory Services, Illumina
Classification: Likely benign for Autosomal dominant nonsyndromic hearing loss 4A. Last evaluated: 2018-01-12. Review status: criteria provided, single submitter. Criteria: ICSL Variant Classification Criteria 13 December 2019. Collection method: clinical testing. Allele origin: germline.
Comment: This variant was observed in the ICSL laboratory as part of a predisposition screen in an ostensibly healthy population. It had not been previously curated by ICSL or reported in the Human Gene Mutation Database (HGMD: prior to June 1st, 2018), and was therefore a candidate for classification through an automated scoring system. Utilizing variant allele frequency, disease prevalence and penetrance estimates, and inheritance mode, an automated score was calculated to assess if this variant is too frequent to cause the disease. Based on the score and internal cut-off values, a variant classified as likely benign is not then subjected to further curation. The score for this variant resulted in a classification of likely benign for this disease.